The following is an entry in ClinVar:

ClinVar aggregate classification (germline): Uncertain significance (1 of 4 stars; one submission).

Conditions:
Developmental and epileptic encephalopathy, 12 (DEE12). Identifiers: MedGen C3150988, MONDO:0013389, OMIM 613722.

Allele frequency attached by ClinVar (database versions not stated): gnomAD exomes below 0.00001; ExAC 0.00001; gnomAD 0.00006 and 0.00010; TOPMed 0.00006; ESP Exome Variant Server 0.00008.

Submission:

Labcorp Genetics (formerly Invitae), Labcorp
Classification: Uncertain significance for Developmental and epileptic encephalopathy, 12. Last evaluated: 2023-11-27. Review status: criteria provided, single submitter. Criteria: Invitae Variant Classification Sherloc (09022015). Collection method: clinical testing. Allele origin: germline.
Comment: This sequence change affects codon 481 of the PNKP mRNA. It is a 'silent' change, meaning that it does not change the encoded amino acid sequence of the PNKP protein. This variant is present in population databases (rs376213146, gnomAD 0.008%). This variant has not been reported in the literature in individuals affected with PNKP-related conditions. ClinVar contains an entry for this variant (Variation ID: 937941). Algorithms developed to predict the effect of sequence changes on RNA splicing suggest that this variant may disrupt the consensus splice site. In summary, the available evidence is currently insufficient to determine the role of this variant in disease. Therefore, it has been classified as a Variant of Uncertain Significance.

NM_007254.4(PNKP):c.1443C>G (p.Gly481=)

Gene: PNKP (polynucleotide kinase 3'-phosphatase; minus strand). Cytogenetic location: 19q13.33.
Variant type: single nucleotide variant.
Coding change: c.1443C>G on transcript NM_007254.4 (MANE Select); coding-DNA position 1443, C replaced by G.
Protein change: p.Gly481=; no amino-acid change (glycine 481 retained).
Molecular consequence: synonymous variant.
Genome position (GRCh38, 1-based): chr19:49,861,454, G>C on the plus strand (C>G on the coding strand, the complement: PNKP is on the minus strand). VCF-style: chr19-49861454-G-C. GRCh37 (hg19) VCF-style: chr19-50364711-G-C.
Identifiers: ClinVar variation 937941 (VCV000937941.6), dbSNP rs376213146, ClinGen allele CA9586371.